The following is an entry in ClinVar:

ClinVar aggregate classification (germline): Benign (1 of 4 stars; one submission).

Conditions:
Familial cancer of breast. Also called: hereditary breast carcinoma; Hereditary breast cancer; BREAST CANCER, FAMILIAL. Identifiers: Orphanet 227535, MedGen C0346153, MONDO:0016419, OMIM 114480. Disease mechanism: loss of function.

Submission:

Myriad Genetics, Inc.
Classification: Benign for Familial cancer of breast. Last evaluated: 2024-09-10. Review status: criteria provided, single submitter. Criteria: Myriad Autosomal Dominant, Autosomal Recessive and X-Linked Classification Criteria (2023). Collection method: clinical testing. Allele origin: unknown.
Comment: This variant is considered benign. This variant is a silent/synonymous amino acid change and it is not expected to impact splicing.

NM_032043.3(BRIP1):c.3297G>A (p.Leu1099=)

Gene: BRIP1 (BRCA1 interacting DNA helicase 1; minus strand). Cytogenetic location: 17q23.2.
Variant type: single nucleotide variant.
Coding change: c.3297G>A on transcript NM_032043.3 (MANE Select); coding-DNA position 3297, G replaced by A.
Protein change: p.Leu1099=; no amino-acid change (leucine 1099 retained).
Molecular consequence: synonymous variant.
Genome position (GRCh38, 1-based): chr17:61,683,749, C>T on the plus strand (G>A on the coding strand, the complement: BRIP1 is on the minus strand). VCF-style: chr17-61683749-C-T. GRCh37 (hg19) VCF-style: chr17-59761110-C-T.
Identifiers: ClinVar variation 3379289 (VCV003379289.1).